The following is an entry in ClinVar:

ClinVar aggregate classification (germline): Uncertain significance. Review status: criteria provided, multiple submitters, no conflicts (2 of 4 stars). 3 submissions from 3 submitters: Uncertain significance (3). Last evaluated 2026-06-10.

Conditions:
Perry syndrome. Also called: PARKINSONISM WITH ALVEOLAR HYPOVENTILATION AND MENTAL DEPRESSION. Identifiers: Orphanet 178509, MedGen C1868594, MONDO:0008201, OMIM 168605.
Neuronopathy, distal hereditary motor, type 7B. Also called: NEURONOPATHY, DISTAL HEREDITARY MOTOR, AUTOSOMAL DOMINANT 14; NEURONOPATHY, DISTAL HEREDITARY MOTOR, HARDING TYPE VIIB; NEUROPATHY, DISTAL HEREDITARY MOTOR, HARDING TYPE VIIB; NEUROPATHY, DISTAL HEREDITARY MOTOR, WITH VOCAL CORD PARALYSIS, HARDING TYPE VIIB; HMN VIIB; LOWER MOTOR NEURON DISEASE, DYNACTIN TYPE. Identifiers: Orphanet 139589, MedGen C1843315, MONDO:0011879, OMIM 607641.
Amyotrophic lateral sclerosis type 1 (ALS1). Also called: AMYOTROPHIC LATERAL SCLEROSIS 1, FAMILIAL. Identifiers: Orphanet 803, MedGen C1862939, MONDO:0007103, OMIM 105400.
DCTN1-related disorder. Also called: DCTN1-related condition.

Allele frequency attached by ClinVar (database versions not stated): gnomAD exomes below 0.00001 and 0.00001; TOPMed below 0.00001.
gnomAD v4.1: 8 of 1,613,174 alleles (0.0005%); highest among the groups gnomAD compares: African/African-American, 0.0027%; no homozygotes.

Submissions (3):

PreventionGenetics, part of Exact Sciences
Classification: Uncertain significance for DCTN1-related condition. Last evaluated: 2026-06-10. Review status: criteria provided, single submitter. Criteria: ACMG Guidelines, 2015. Collection method: clinical testing. Allele origin: germline.
Comment: The DCTN1 c.3517C>T variant is predicted to result in the amino acid substitution p.Arg1173Cys. To our knowledge, this variant has not been reported in the literature. This variant is reported in 0.00089% of alleles in individuals of European (non-Finnish) descent in gnomAD. At this time, the clinical significance of this variant is uncertain due to the absence of conclusive functional and genetic evidence.

Labcorp Genetics (formerly Invitae), Labcorp
Classification: Uncertain significance for Amyotrophic lateral sclerosis type 1; Neuronopathy, distal hereditary motor, type 7B; Perry syndrome. Last evaluated: 2024-11-04. Review status: criteria provided, single submitter. Criteria: Invitae Variant Classification Sherloc (09022015). Collection method: clinical testing. Allele origin: germline.
Comment: This sequence change replaces arginine, which is basic and polar, with cysteine, which is neutral and slightly polar, at codon 1173 of the DCTN1 protein (p.Arg1173Cys). This variant is present in population databases (no rsID available, gnomAD 0.0009%). This variant has not been reported in the literature in individuals affected with DCTN1-related conditions. ClinVar contains an entry for this variant (Variation ID: 1379354). Invitae Evidence Modeling of protein sequence and biophysical properties (such as structural, functional, and spatial information, amino acid conservation, physicochemical variation, residue mobility, and thermodynamic stability) indicates that this missense variant is not expected to disrupt DCTN1 protein function with a negative predictive value of 95%. In summary, the available evidence is currently insufficient to determine the role of this variant in disease. Therefore, it has been classified as a Variant of Uncertain Significance.

Blueprint Genetics
Classification: Uncertain significance. Last evaluated: 2024-02-15. Review status: criteria provided, single submitter. Criteria: ACMG Guidelines, 2015. Collection method: clinical testing. Allele origin: germline.

NM_004082.5(DCTN1):c.3517C>T (p.Arg1173Cys)

Gene: DCTN1 (dynactin subunit 1; minus strand). Cytogenetic location: 2p13.1.
Variant type: single nucleotide variant.
Coding change: c.3517C>T on transcript NM_004082.5 (MANE Select); coding-DNA position 3517, C replaced by T.
Protein change: p.Arg1173Cys; replaces arginine 1173 with cysteine.
Molecular consequence: missense variant. On other transcripts: non-coding transcript variant (1).
Genome position (GRCh38, 1-based): chr2:74,363,006, G>A on the plus strand (C>T on the coding strand, the complement: DCTN1 is on the minus strand). VCF-style: chr2-74363006-G-A. GRCh37 (hg19) VCF-style: chr2-74590133-G-A.
Other names: c.3517C>T (NM_004082.4); c.3442C>T, p.Arg1148Cys (NM_001135040.3); c.3100C>T, p.Arg1034Cys (NM_001135041.3); c.3391C>T, p.Arg1131Cys (NM_001190836.2); c.3496C>T, p.Arg1166Cys (NM_001190837.2); c.3466C>T, p.Arg1156Cys (NM_001378991.1); c.3448C>T, p.Arg1150Cys (NM_001378992.1); c.3115C>T, p.Arg1039Cys (NM_023019.4); short protein forms R1148C, R1166C, R1156C, R1173C, R1034C, R1039C, R1131C, R1150C.
Identifiers: ClinVar variation 1379354 (VCV001379354.10), dbSNP rs1442881228, ClinGen allele CA347337069.